The following is an entry in ClinVar:

ClinVar aggregate classification (germline): Uncertain significance (1 of 4 stars; one submission).

Submission:

Ambry Genetics
Classification: Uncertain significance. Last evaluated: 2024-11-24. Review status: criteria provided, single submitter. Criteria: Ambry Variant Classification Scheme 2023. Collection method: clinical testing. Allele origin: germline.
Comment: The p.S71P variant (also known as c.211T>C), located in coding exon 1 of the MC1R gene, results from a T to C substitution at nucleotide position 211. The serine at codon 71 is replaced by proline, an amino acid with similar properties. This amino acid position is conserved. In addition, the in silico prediction for this alteration is inconclusive. Based on the available evidence, the clinical significance of this variant remains unclear.

NM_002386.4(MC1R):c.211T>C (p.Ser71Pro)

Gene: MC1R (melanocortin 1 receptor; plus strand). Cytogenetic location: 16q24.3.
Variant type: single nucleotide variant.
Coding change: c.211T>C on transcript NM_002386.4 (MANE Select); coding-DNA position 211, T replaced by C.
Protein change: p.Ser71Pro; replaces serine 71 with proline.
Molecular consequence: missense variant.
Genome position (GRCh38, 1-based): chr16:89,919,469, T>C. VCF-style: chr16-89919469-T-C. GRCh37 (hg19) VCF-style: chr16-89985877-T-C.
Other names: short protein forms S71P.
Identifiers: ClinVar variation 3543963 (VCV003543963.1).